The following is an entry in ClinVar:

ClinVar aggregate classification (germline): Likely pathogenic (3 of 4 stars; one submission).

Conditions:
Bernard Soulier syndrome (BSS). Also called: GLYCOPROTEIN Ib, PLATELET, DEFICIENCY OF; PLATELET GLYCOPROTEIN Ib DEFICIENCY; VON WILLEBRAND FACTOR RECEPTOR DEFICIENCY; Giant platelet syndrome; Hemorrhagiparous thrombocytic dystrophy; Giant platelet disease. Identifiers: Orphanet 274, MedGen C0005129, MeSH D001606, MONDO:0009276, OMIM 231200.

Submission:

ClinGen Platelet Disorders Variant Curation Expert Panel, ClinGen
Classification: Likely pathogenic for Bernard Soulier syndrome. Last evaluated: 2025-03-06. Review status: reviewed by expert panel. Criteria: ClinGen Platelet ACMG Specifications GP1BA V1.0.0. Collection method: curation. Allele origin: germline. Inheritance: Autosomal recessive inheritance.
Comment: The c.941dup (p.Thr316HisfsTer35) variant in GP1BA is a frameshift variant that may cause loss of function of the protein, however it is predicted to escape nonsense mediated decay and remove >10% of the protein (PVS1_Strong). At least one patient (Patient BSS10.01 in PMID: 23995613) with this variant had aggregation absent for ristocetin and present for all other agonists, which is highly specific for Bernard-Soulier syndrome. Additionally, the patient had excessive mucocutaneous bleeding and macrothrombocytopenia which are consistent with Bernard-Soulier syndrome (PP4). This variant is absent from gnomAD v4.1.0 (PM2_Supporting). In summary, this variant meets the criteria to be classified as Likely Pathogenic for autosomal recessive Bernard-Soulier syndrome based on the ACMG/AMP criteria applied, as specified by the ClinGen PD VCEP: PVS1_Strong, PP4, PM2_Supporting, and PM3_Supporting (VCEP specifications version 1).

NM_000173.7(GP1BA):c.941dup (p.Thr316fs)

Gene: GP1BA (glycoprotein Ib platelet subunit alpha; plus strand). Cytogenetic location: 17p13.2.
Variant type: Duplication.
Coding change: c.941dup on transcript NM_000173.7 (MANE Select); coding-DNA position 941, one base duplicated (T; older notation c.941dupT).
Protein change: p.Thr316fs; shifts the reading frame from threonine 316.
Molecular consequence: frameshift variant.
Genome position (GRCh38, 1-based): chr17:4,933,545, T duplicated; the last of 2 consecutive T bases (chr17:4,933,544-4,933,545); duplicating either gives the same sequence. VCF-style (leftmost placement, unchanged base first): chr17-4933543-G-GT. GRCh37 (hg19) VCF-style: chr17-4836838-G-GT.
Other names: NM_000173.7:c.941dup; short protein forms T316fs.
Identifiers: ClinVar variation 3775062 (VCV003775062.1).
Genomic context (GRCh38, chr17:4,933,543, plus strand): 5'-TTACTACCCAGAAGAGGACACTGAGGGCGATAAGGTGCGTGCCACAAGGACTGTGGTCAA[G>GT]TTCCCCACCAAAGCCCATACAACCCCCTGGGGTCTATTCTACTCATGGTCCACTGCTTCT-3'